The following is an entry in ClinVar:

ClinVar aggregate classification (germline): Uncertain significance (1 of 4 stars; one submission).

Allele frequency attached by ClinVar (database versions not stated): gnomAD exomes below 0.00001; TOPMed below 0.00001.
gnomAD v4.1: 1 of 1,586,002 alleles (0.000063%); highest among the groups gnomAD compares: African/African-American, 0.0013%; no homozygotes.

Submission:

Labcorp Genetics (formerly Invitae), Labcorp
Classification: Uncertain significance. Last evaluated: 2022-09-19. Review status: criteria provided, single submitter. Criteria: Invitae Variant Classification Sherloc (09022015). Collection method: clinical testing. Allele origin: germline.
Comment: Algorithms developed to predict the effect of missense changes on protein structure and function (SIFT, PolyPhen-2, Align-GVGD) all suggest that this variant is likely to be tolerated. In summary, the available evidence is currently insufficient to determine the role of this variant in disease. Therefore, it has been classified as a Variant of Uncertain Significance. This variant has not been reported in the literature in individuals affected with IARS-related conditions. This sequence change replaces glutamine, which is neutral and polar, with arginine, which is basic and polar, at codon 154 of the IARS protein (p.Gln154Arg). This variant is not present in population databases (gnomAD no frequency).

NM_002161.6(IARS1):c.461A>G (p.Gln154Arg)

Gene: IARS1 (isoleucyl-tRNA synthetase 1; minus strand). Cytogenetic location: 9q22.31.
Variant type: single nucleotide variant.
Coding change: c.461A>G on transcript NM_002161.6 (MANE Select); coding-DNA position 461, A replaced by G.
Protein change: p.Gln154Arg; replaces glutamine 154 with arginine.
Molecular consequence: missense variant. On other transcripts: non-coding transcript variant (1).
Genome position (GRCh38, 1-based): chr9:92,286,554, T>C on the plus strand (A>G on the coding strand, the complement: IARS1 is on the minus strand). VCF-style: chr9-92286554-T-C. GRCh37 (hg19) VCF-style: chr9-95048836-T-C.
Other names: c.461A>G, p.Gln154Arg (NM_001374299.1, NM_001374300.1, NM_001374301.1 and 15 more transcripts); c.524A>G, p.Gln175Arg (NM_001378569.1); c.338A>G, p.Gln113Arg (NM_001378583.1); short protein forms Q154R, Q175R, Q113R.
Identifiers: ClinVar variation 2133839 (VCV002133839.4), dbSNP rs1418134981, ClinGen allele CA373807950.